The following is an entry in ClinVar:

NM_000083.3(CLCN1):c.1883T>C (p.Leu628Pro)

Gene: CLCN1 (chloride voltage-gated channel 1; plus strand). Cytogenetic location: 7q34.
Variant type: single nucleotide variant.
Coding change: c.1883T>C on transcript NM_000083.3 (MANE Select); coding-DNA position 1883, T replaced by C.
Protein change: p.Leu628Pro; replaces leucine 628 with proline.
Molecular consequence: missense variant. On other transcripts: non-coding transcript variant (1).
Genome position (GRCh38, 1-based): chr7:143,342,458, T>C. VCF-style: chr7-143342458-T-C. GRCh37 (hg19) VCF-style: chr7-143039551-T-C.
Other names: short protein forms L628P.
Identifiers: ClinVar variation 3602181 (VCV003602181.3).
Genomic context (GRCh38, chr7:143,342,458, plus strand): 5'-TCATGGTACGTGATGTGAAGTTTGTTTCAGCTTCTTACACATATGGGGAGTTGCGAACCC[T>C]GCTCCAGACCACCACAGTCAAGACTTTACCACTGGTTGACTCAAAAGGTCAGTGGGGAGG-3'
Protein context (NP_000074.3, residues 618-638): ASYTYGELRT[Leu628Pro]LQTTTVKTLP

ClinVar aggregate classification (germline): Uncertain significance. Review status: criteria provided, multiple submitters, no conflicts (2 of 4 stars). 2 submissions from 2 submitters: Uncertain significance (2). Last evaluated 2024-08-01.

Conditions:
Congenital myotonia, autosomal dominant form (THD). Also called: THOMSEN DISEASE; Myotonia congenita autosomal dominant. Identifiers: Orphanet 614, MedGen C2936781, MONDO:0008055, OMIM 160800.
Congenital myotonia, autosomal recessive form. Also called: BECKER DISEASE; Becker Generalized Myotonia; myotonia congenita, autosomal recessive. Identifiers: Orphanet 614, MedGen C0751360, MONDO:0009715, OMIM 255700.

Submissions (2):

GeneDx
Classification: Uncertain significance. Last evaluated: 2024-08-01. Review status: criteria provided, single submitter. Criteria: GeneDx Variant Classification Process June 2021. Collection method: clinical testing. Allele origin: germline. Affected: yes.
Comment: Previously reported in a proband with quadricep stiffness, handgrip myotonia, and lower limb muscle hypertrophy who also harbored a nonsense pathogenic variant in CLCN1; however, phase was not reported (PMID: 26096614); Published functional studies suggest that this variant does not significantly impact channel function (PMID: 26096614); Not observed at significant frequency in large population cohorts (gnomAD); In silico analysis supports that this missense variant has a deleterious effect on protein structure/function; This variant is associated with the following publications: (PMID: 34208776, 23739125, 26096614)

Labcorp Genetics (formerly Invitae), Labcorp
Classification: Uncertain significance for Congenital myotonia, autosomal recessive form; Congenital myotonia, autosomal dominant form. Last evaluated: 2024-06-19. Review status: criteria provided, single submitter. Criteria: Invitae Variant Classification Sherloc (09022015). Collection method: clinical testing. Allele origin: germline.
Comment: This sequence change replaces leucine, which is neutral and non-polar, with proline, which is neutral and non-polar, at codon 628 of the CLCN1 protein (p.Leu628Pro). This variant is not present in population databases (gnomAD no frequency). This missense change has been observed in individual(s) with clinical features of myotonia congenita (PMID: 23739125, 26096614). Advanced modeling of protein sequence and biophysical properties (such as structural, functional, and spatial information, amino acid conservation, physicochemical variation, residue mobility, and thermodynamic stability) performed at Invitae indicates that this missense variant is expected to disrupt CLCN1 protein function with a positive predictive value of 80%. Experimental studies are conflicting or provide insufficient evidence to determine the effect of this variant on CLCN1 function (PMID: 26096614). In summary, the available evidence is currently insufficient to determine the role of this variant in disease. Therefore, it has been classified as a Variant of Uncertain Significance.

Literature cited by the submitters: PubMed 23739125 (cited by Labcorp Genetics (formerly Invitae), Labcorp); PubMed 26096614 (cited by Labcorp Genetics (formerly Invitae), Labcorp).